The following is an entry in ClinVar:

NM_006073.4(TRDN):c.991G>A (p.Glu331Lys)

Gene: TRDN (triadin; minus strand). Cytogenetic location: 6q22.31.
Variant type: single nucleotide variant.
Coding change: c.991G>A on transcript NM_006073.4 (MANE Select); coding-DNA position 991, G replaced by A.
Protein change: p.Glu331Lys; replaces glutamic acid 331 with lysine.
Molecular consequence: missense variant.
Genome position (GRCh38, 1-based): chr6:123,438,944, C>T on the plus strand (G>A on the coding strand, the complement: TRDN is on the minus strand). VCF-style: chr6-123438944-C-T. GRCh37 (hg19) VCF-style: chr6-123760089-C-T.
Other names: c.991G>A, p.Ala331Thr (NM_001251987.2); c.991G>A (NM_006073.2); short protein forms E331K, A331T.
Identifiers: ClinVar variation 463682 (VCV000463682.8), dbSNP rs763851599, ClinGen allele CA3984190.

ClinVar aggregate classification (germline): Uncertain significance. Review status: criteria provided, multiple submitters, no conflicts (2 of 4 stars). 3 submissions from 3 submitters: Uncertain significance (3). Last evaluated 2025-04-24.

Conditions:
Cardiovascular phenotype. Identifiers: MedGen CN230736.
Catecholaminergic polymorphic ventricular tachycardia 5 (CARDAR). Also called: Ventricular tachycardia, catecholaminergic polymorphic, 5, with or without muscle weakness; CARDIAC ARRHYTHMIA SYNDROME, WITH OR WITHOUT SKELETAL MUSCLE WEAKNESS. Identifiers: Orphanet 3286, MedGen C3809536, MONDO:0014191, OMIM 615441.
Catecholaminergic polymorphic ventricular tachycardia 1. Also called: VENTRICULAR TACHYCARDIA, STRESS-INDUCED POLYMORPHIC 1; VENTRICULAR TACHYCARDIA, CATECHOLAMINERGIC POLYMORPHIC, 1, WITH OR WITHOUT ATRIAL DYSFUNCTION AND/OR DILATED CARDIOMYOPATHY; RYR2-Related Catecholaminergic Polymorphic Ventricular Tachycardia. Identifiers: Orphanet 3286, MedGen C1631597, MONDO:0011484, OMIM 604772.

Allele frequency attached by ClinVar (database versions not stated): gnomAD exomes below 0.00001 and 0.00002; gnomAD 0.00003 and 0.00004; TOPMed 0.00006; ExAC 0.00007.
gnomAD v4.1: 10 of 1,557,834 alleles (0.00064%); highest among the groups gnomAD compares: African/African-American, 0.012%; no homozygotes.

Submissions (3):

Labcorp Genetics (formerly Invitae), Labcorp
Classification: Uncertain significance for Catecholaminergic polymorphic ventricular tachycardia 1. Last evaluated: 2025-04-24. Review status: criteria provided, single submitter. Criteria: Invitae Variant Classification Sherloc (09022015). Collection method: clinical testing. Allele origin: germline.
Comment: This sequence change replaces glutamic acid, which is acidic and polar, with lysine, which is basic and polar, at codon 331 of the TRDN protein (p.Glu331Lys). This variant also falls at the last nucleotide of exon 11, which is part of the consensus splice site for this exon. This variant is present in population databases (rs763851599, gnomAD 0.03%). This variant has not been reported in the literature in individuals affected with TRDN-related conditions. ClinVar contains an entry for this variant (Variation ID: 463682). An algorithm developed to predict the effect of missense changes on protein structure and function (PolyPhen-2) suggests that this variant is likely to be tolerated. Variants that disrupt the consensus splice site are a relatively common cause of aberrant splicing (PMID: 17576681, 9536098). Algorithms developed to predict the effect of sequence changes on RNA splicing suggest that this variant may disrupt the consensus splice site. In summary, the available evidence is currently insufficient to determine the role of this variant in disease. Therefore, it has been classified as a Variant of Uncertain Significance.

Ambry Genetics
Classification: Uncertain significance for Cardiovascular phenotype. Last evaluated: 2024-01-04. Review status: criteria provided, single submitter. Criteria: Ambry Variant Classification Scheme 2023. Collection method: clinical testing. Allele origin: germline.
Comment: The c.991G>A variant (also known as p.E331K), located in coding exon 11 of the TRDN gene, results from a G to A substitution at nucleotide position 991. The amino acid change results in glutamic acid to lysine at codon 331, an amino acid with similar properties. This change occurs in the last base pair of coding exon 11, which makes it likely to have some effect on normal mRNA splicing. However, this alteration does not impact the predominant cardiac isoform ofTRDN(NM_001256021.1; Kobayashi YM et al. J. Biol. Chem., 1999 Oct;274:28660-8). This nucleotide position is highly conserved in available vertebrate species. This amino acid position is well conserved in available vertebrate species. In silico splice site analysis predicts that this alteration will weaken the native splice donor site. In addition, as a missense substitution this is predicted to be tolerated by in silico analysis. Since supporting evidence is limited at this time, the clinical significance of this alteration remains unclear.

Fulgent Genetics
Classification: Uncertain significance for Catecholaminergic polymorphic ventricular tachycardia 1; Catecholaminergic polymorphic ventricular tachycardia 5. Last evaluated: 2021-09-10. Review status: criteria provided, single submitter. Criteria: ACMG Guidelines, 2015. Collection method: clinical testing. Allele origin: unknown.

Literature cited by the submitters: PubMed 17576681 (cited by Labcorp Genetics (formerly Invitae), Labcorp); PubMed 9536098 (cited by Labcorp Genetics (formerly Invitae), Labcorp).